The following is an entry in ClinVar:

ClinVar aggregate classification (germline): Uncertain significance (1 of 4 stars; one submission).

Conditions:
Cardiovascular phenotype. Identifiers: MedGen CN230736.

Allele frequency attached by ClinVar (database versions not stated): gnomAD exomes below 0.00001; TOPMed below 0.00001; ExAC 0.00001.

Submission:

Ambry Genetics
Classification: Uncertain significance for Cardiovascular phenotype. Last evaluated: 2016-08-29. Review status: criteria provided, single submitter. Criteria: Ambry Variant Classification Scheme 2023. Collection method: clinical testing. Allele origin: germline.
Comment: The p.V18805I variant (also known as c.56413G>A), located in coding exon 153 of the TTN gene, results from a G to A substitution at nucleotide position 56413. The valine at codon 18805 is replaced by isoleucine, an amino acid with highly similar properties, and is located in the A-band region of the N2-B isoform of the titin protein. Based on data from ExAC, the A allele has an overall frequency of <0.01% (1/119180). This amino acid position is well conserved in available vertebrate species; however, isoleucine is the reference amino acid in other vertebrate species. In addition, this alteration is predicted to be tolerated by in silico analysis. Since supporting evidence is limited at this time, the clinical significance of this alteration remains unclear.

NM_001267550.2(TTN):c.83608G>A (p.Val27870Ile)

Genes: TTN (titin; minus strand), TTN-AS1 (TTN antisense RNA 1; plus strand). Cytogenetic location: 2q31.2.
Variant type: single nucleotide variant.
Coding change: c.83608G>A on transcript NM_001267550.2 (MANE Select); coding-DNA position 83608, G replaced by A.
Protein change: p.Val27870Ile; replaces valine 27870 with isoleucine.
Molecular consequence: missense variant.
Genome position (GRCh38, 1-based): chr2:178,562,524, C>T on the plus strand (G>A on the coding strand, the complement: TTN is on the minus strand). VCF-style: chr2-178562524-C-T. GRCh37 (hg19) VCF-style: chr2-179427251-C-T.
Other names: c.78685G>A, p.Val26229Ile (NM_001256850.1); c.56413G>A, p.Val18805Ile (NM_003319.4); c.75904G>A, p.Val25302Ile (NM_133378.4); c.56788G>A, p.Val18930Ile (NM_133432.3); c.56989G>A, p.Val18997Ile (NM_133437.4); short protein forms V18805I, V27870I, V18930I, V25302I, V26229I, V18997I.
Identifiers: ClinVar variation 518939 (VCV000518939.5), dbSNP rs772190104, ClinGen allele CA1988897.